The following is an entry in ClinVar:

ClinVar aggregate classification (germline): Uncertain significance (1 of 4 stars; one submission).

Conditions:
Inborn genetic diseases. Identifiers: MedGen C0950123, MeSH D030342.

Submission:

Ambry Genetics
Classification: Uncertain significance for Inborn genetic diseases. Last evaluated: 2025-05-23. Review status: criteria provided, single submitter. Criteria: Ambry Variant Classification Scheme 2023. Collection method: clinical testing. Allele origin: germline.
Comment: The p.D78H variant (also known as c.232G>C), located in coding exon 2 of the SBDS gene, results from a G to C substitution at nucleotide position 232. The aspartic acid at codon 78 is replaced by histidine, an amino acid with similar properties. This amino acid position is conserved. In addition, the in silico prediction for this alteration is inconclusive. Based on the available evidence, the clinical significance of this variant remains unclear.

NM_016038.4(SBDS):c.232G>C (p.Asp78His)

Gene: SBDS (SBDS ribosome maturation factor; minus strand). Cytogenetic location: 7q11.21.
Variant type: single nucleotide variant.
Coding change: c.232G>C on transcript NM_016038.4 (MANE Select); coding-DNA position 232, G replaced by C.
Protein change: p.Asp78His; replaces aspartic acid 78 with histidine.
Molecular consequence: missense variant.
Genome position (GRCh38, 1-based): chr7:66,994,238, C>G on the plus strand (G>C on the coding strand, the complement: SBDS is on the minus strand). VCF-style: chr7-66994238-C-G. GRCh37 (hg19) VCF-style: chr7-66459225-C-G.
Other names: short protein forms D78H.
Identifiers: ClinVar variation 3950329 (VCV003950329.1).